The following is an entry in ClinVar:

ClinVar aggregate classification (germline): Uncertain significance (1 of 4 stars; one submission).

Conditions:
Hereditary cancer-predisposing syndrome. Also called: Tumor predisposition; Hereditary neoplastic syndrome; Hereditary Cancer Syndrome; Neoplastic Syndromes, Hereditary. Identifiers: Orphanet 140162, MedGen C0027672, MeSH D009386, MONDO:0015356.

Submission:

Ambry Genetics
Classification: Uncertain significance for Hereditary cancer-predisposing syndrome. Last evaluated: 2025-06-12. Review status: criteria provided, single submitter. Criteria: Ambry Variant Classification Scheme 2023. Collection method: clinical testing. Allele origin: germline.
Comment: The p.H1633D variant (also known as c.4897C>G), located in coding exon 37 of the TSC2 gene, results from a C to G substitution at nucleotide position 4897. The histidine at codon 1633 is replaced by aspartic acid, an amino acid with similar properties. This amino acid position is conserved. In addition, the in silico prediction for this alteration is inconclusive. Based on the available evidence, the clinical significance of this variant remains unclear.

NM_000548.5(TSC2):c.4897C>G (p.His1633Asp)

Gene: TSC2 (TSC complex subunit 2; plus strand). Cytogenetic location: 16p13.3.
Variant type: single nucleotide variant.
Coding change: c.4897C>G on transcript NM_000548.5 (MANE Select); coding-DNA position 4897, C replaced by G.
Protein change: p.His1633Asp; replaces histidine 1633 with aspartic acid.
Molecular consequence: missense variant. On other transcripts: non-coding transcript variant (5).
Genome position (GRCh38, 1-based): chr16:2,086,779, C>G. VCF-style: chr16-2086779-C-G. GRCh37 (hg19) VCF-style: chr16-2136780-C-G.
Other names: c.4729C>G, p.His1577Asp (NM_001318832.2); c.4699C>G, p.His1567Asp (NM_001363528.2); c.4765C>G, p.His1589Asp (NM_001370404.1); c.4768C>G, p.His1590Asp (NM_001370405.1, NM_021055.3); c.4894C>G, p.His1632Asp (NM_001406663.1); c.4825C>G, p.His1609Asp (NM_001406664.1); c.4819C>G, p.His1607Asp (NM_001406665.1); c.4789C>G, p.His1597Asp (NM_001406667.1); and 26 more; short protein forms H1367D, H1389D, H1518D, H1597D, H1607D, H1633D, H1162D, H1530D.
Identifiers: ClinVar variation 3974707 (VCV003974707.1).